The following is an entry in ClinVar:

NM_001080453.3(INTS1):c.1283+5G>A

Gene: INTS1 (integrator complex subunit 1; minus strand). Cytogenetic location: 7p22.3.
Variant type: single nucleotide variant.
Coding change: c.1283+5G>A on transcript NM_001080453.3 (MANE Select); 5 bases into the intron after coding-DNA position 1283, G replaced by A.
Molecular consequence: intron variant.
Genome position (GRCh38, 1-based): chr7:1,498,702, C>T on the plus strand (G>A on the coding strand, the complement: INTS1 is on the minus strand). VCF-style: chr7-1498702-C-T. GRCh37 (hg19) VCF-style: chr7-1538338-C-T.
Identifiers: ClinVar variation 2231426 (VCV002231426.5), dbSNP rs371750945, ClinGen allele CA4120406.
Genomic context (GRCh38, chr7:1,498,702, plus strand): 5'-GCCCACACCCCCACCCACACCCCCACTCCACCCGCACCCCCGCTCTGCCCCGGCTCGCCA[C>T]GCACCTGATGCACAGCATGAAGTGGTTGAGGAGGACCTTGGGCTTGAGGCGGATCTTGAT-3'

ClinVar aggregate classification (germline): Uncertain significance. Review status: criteria provided, multiple submitters, no conflicts (2 of 4 stars). 3 submissions from 3 submitters: Uncertain significance (3). Last evaluated 2025-10-07.

Conditions:
Inborn genetic diseases. Identifiers: MedGen C0950123, MeSH D030342.
Neurodevelopmental disorder with cataracts, poor growth, and dysmorphic facies. Identifiers: MedGen C5231414, MONDO:0032817, OMIM 618571.

Allele frequency attached by ClinVar (database versions not stated): ESP Exome Variant Server 0.00008; 1000 Genomes Project 0.00020; TOPMed 0.00019; gnomAD 0.00021; 1000 Genomes Project 30x 0.00031.
gnomAD v4.1: 110 of 1,550,384 alleles (0.0071%); highest among the groups gnomAD compares: African/African-American, 0.054%; no homozygotes.

Submissions (3):

Dasa
Classification: Uncertain significance for Neurodevelopmental disorder with cataracts, poor growth, and dysmorphic facies. Last evaluated: 2025-10-07. Review status: criteria provided, single submitter. Criteria: DASA Assertion Criteria. Collection method: clinical testing. Allele origin: germline.
Comment: NM_001080453.3(INTS1):c.1283+5G>A is a splice-region variant predicted to affect normal RNA splicing. This variant is rare in population databases. Computational prediction algorithms are consistent with a deleterious effect. The currently available literature and clinical evidence are not sufficient to establish a definitive association between this variant and the reported condition. Therefore, this variant is classified as a variant of uncertain significance.

GeneDx
Classification: Uncertain significance. Last evaluated: 2023-04-24. Review status: criteria provided, single submitter. Criteria: GeneDx Variant Classification Process June 2021. Collection method: clinical testing. Allele origin: germline. Affected: yes.
Comment: Has not been previously published as pathogenic or benign to our knowledge; In silico analysis supports that this variant does not alter splicing

Ambry Genetics
Classification: Uncertain significance for Inborn genetic diseases. Last evaluated: 2021-06-22. Review status: criteria provided, single submitter. Criteria: Ambry Variant Classification Scheme 2023. Collection method: clinical testing. Allele origin: germline.
Comment: The c.1283+5G>A intronic alteration consists of a G to A substitution 5 nucleotides after exon 9 (coding exon 8) of the INTS1 gene. Based on insufficient or conflicting evidence, the clinical significance of this alteration remains unclear.